The following is an entry in ClinVar:

ClinVar aggregate classification (germline): Likely benign. Review status: criteria provided, single submitter (1 of 4 stars). 2 submissions from 2 submitters: Likely benign (1). 1 of the submissions does not count toward it. Last evaluated 2018-10-23.

Conditions:
KY-related disorder. Also called: KY-related condition.

Allele frequency attached by ClinVar (database versions not stated): gnomAD 0.00004 and 0.00005; ExAC 0.00006; TOPMed 0.00006; ESP Exome Variant Server 0.00008; gnomAD exomes 0.00009 and 0.00013; 1000 Genomes Project 30x 0.00016; 1000 Genomes Project 0.00020.
gnomAD v4.1: 204 of 1,613,702 alleles (0.013%); highest among the groups gnomAD compares: South Asian, 0.029%; 1 homozygote.

Submissions (2):

Labcorp Genetics (formerly Invitae), Labcorp
Classification: Likely benign. Last evaluated: 2018-10-23. Review status: criteria provided, single submitter. Criteria: Invitae Variant Classification Sherloc (09022015). Collection method: clinical testing. Allele origin: germline.

PreventionGenetics, part of Exact Sciences
Classification: Likely benign for KY-related condition. Last evaluated: 2019-09-13. Review status: no assertion criteria provided. Collection method: clinical testing. Allele origin: germline. Not counted in ClinVar's aggregate classification.
Comment: This variant is classified as likely benign based on ACMG/AMP sequence variant interpretation guidelines (Richards et al. 2015 PMID: 25741868, with internal and published modifications).

NM_178554.6(KY):c.861C>T (p.Ser287=)

Genes: CEP63 (centrosomal protein 63; plus strand), KY (kyphoscoliosis peptidase; minus strand). Cytogenetic location: 3q22.2.
Variant type: single nucleotide variant.
Coding change: c.861C>T on transcript NM_178554.6 (MANE Select); coding-DNA position 861, C replaced by T.
Protein change: p.Ser287=; no amino-acid change (serine 287 retained).
Molecular consequence: synonymous variant.
Genome position (GRCh38, 1-based): chr3:134,610,233, G>A on the plus strand (C>T on the coding strand, the complement: KY is on the minus strand). VCF-style: chr3-134610233-G-A. GRCh37 (hg19) VCF-style: chr3-134329075-G-A.
Other names: c.813C>T, p.Ser271= (NM_001350859.2); c.735C>T, p.Ser245= (NM_001350860.2); c.798C>T, p.Ser266= (NM_001366276.1); c.861C>T, p.Ser287= (NM_001366277.2).
Identifiers: ClinVar variation 736271 (VCV000736271.5), dbSNP rs372354601, ClinGen allele CA2629156.